The following is an entry in ClinVar:

ClinVar aggregate classification (germline): Uncertain significance (0 of 4 stars; one submission).

Conditions:
SEMA3G-related disorder. Also called: SEMA3G-related condition.

gnomAD v4.1: 58 of 1,612,472 alleles (0.0036%); highest among the groups gnomAD compares: Non-Finnish European, 0.0047%; no homozygotes.

Submission:

PreventionGenetics, part of Exact Sciences
Classification: Uncertain significance for SEMA3G-related condition. Last evaluated: 2024-01-31. Review status: no assertion criteria provided. Collection method: clinical testing. Allele origin: germline.
Comment: The SEMA3G c.1912C>T variant is predicted to result in the amino acid substitution p.Arg638Trp. To our knowledge, this variant has not been reported in the literature. This variant is reported in 0.0033% of alleles in individuals of South Asian descent in gnomAD. At this time, the clinical significance of this variant is uncertain due to the absence of conclusive functional and genetic evidence.

NM_020163.3(SEMA3G):c.1912C>T (p.Arg638Trp)

Gene: SEMA3G (semaphorin 3G; minus strand). Cytogenetic location: 3p21.1.
Variant type: single nucleotide variant.
Coding change: c.1912C>T on transcript NM_020163.3 (MANE Select); coding-DNA position 1912, C replaced by T.
Protein change: p.Arg638Trp; replaces arginine 638 with tryptophan.
Molecular consequence: missense variant.
Genome position (GRCh38, 1-based): chr3:52,436,040, G>A on the plus strand (C>T on the coding strand, the complement: SEMA3G is on the minus strand). VCF-style: chr3-52436040-G-A. GRCh37 (hg19) VCF-style: chr3-52470056-G-A.
Other names: short protein forms R638W.
Identifiers: ClinVar variation 3357733 (VCV003357733.1).
Genomic context (GRCh38, chr3:52,436,040, plus strand): 5'-GAGTGGTGCAGGTGTAGGTGCCCGCATCGAAACGGCTAAGCCTGCGGAACAGCAGCCCCC[G>A]CTCCGTGTGCAAGACTCGCTCGTCCGTCTTCACCTGCCATGCGGGCGGGAGGGCGTGAGT-3'
Protein context (NP_064548.1, residues 628-648): KTDERVLHTE[Arg638Trp]GLLFRRLSRF